The following is an entry in ClinVar:

ClinVar aggregate classification (germline): Uncertain significance (1 of 4 stars; one submission).

Conditions:
Autosomal dominant polycystic kidney disease. Identifiers: Orphanet 730, MedGen C0085413, MONDO:0004691.

Submission:

Labcorp Genetics (formerly Invitae), Labcorp
Classification: Uncertain significance for Autosomal dominant polycystic kidney disease. Last evaluated: 2021-07-22. Review status: criteria provided, single submitter. Criteria: Invitae Variant Classification Sherloc (09022015). Collection method: clinical testing. Allele origin: germline.
Comment: In summary, the available evidence is currently insufficient to determine the role of this variant in disease. Therefore, it has been classified as a Variant of Uncertain Significance. Algorithms developed to predict the effect of missense changes on protein structure and function are either unavailable or do not agree on the potential impact of this missense change (SIFT: "Deleterious"; PolyPhen-2: "Possibly Damaging"; Align-GVGD: "Class C0"). This variant has not been reported in the literature in individuals affected with PKD2-related conditions. The frequency data for this variant in the population databases is considered unreliable, as metrics indicate insufficient coverage at this position in the ExAC database. This sequence change replaces glycine with glutamic acid at codon 182 of the PKD2 protein (p.Gly182Glu). The glycine residue is moderately conserved and there is a moderate physicochemical difference between glycine and glutamic acid.

NM_000297.4(PKD2):c.545G>A (p.Gly182Glu)

Genes: PKD2 (polycystin 2, transient receptor potential cation channel; plus strand), LOC129992813 (ATAC-STARR-seq lymphoblastoid silent region 15559; plus strand). Cytogenetic location: 4q22.1.
Variant type: single nucleotide variant.
Coding change: c.545G>A on transcript NM_000297.4 (MANE Select); coding-DNA position 545, G replaced by A.
Protein change: p.Gly182Glu; replaces glycine 182 with glutamic acid.
Molecular consequence: missense variant. On other transcripts: non-coding transcript variant (1).
Genome position (GRCh38, 1-based): chr4:88,008,278, G>A. VCF-style: chr4-88008278-G-A. GRCh37 (hg19) VCF-style: chr4-88929430-G-A.
Other names: short protein forms G182E.
Identifiers: ClinVar variation 1354255 (VCV001354255.8), dbSNP rs1445377648, ClinGen allele CA357627082.